The following is an entry in ClinVar:

NM_018960.6(GNMT):c.530A>G (p.His177Arg)

Genes: CNPY3-GNMT (CNPY3-GNMT readthrough; plus strand), GNMT (glycine N-methyltransferase; plus strand). Cytogenetic location: 6p21.1.
Variant type: single nucleotide variant.
Coding change: c.530A>G on transcript NM_018960.6 (MANE Select); coding-DNA position 530, A replaced by G.
Protein change: p.His177Arg; replaces histidine 177 with arginine.
Molecular consequence: missense variant. On other transcripts: intron variant (1).
Genome position (GRCh38, 1-based): chr6:42,963,150, A>G. VCF-style: chr6-42963150-A-G. GRCh37 (hg19) VCF-style: chr6-42930888-A-G.
Other names: c.332A>G, p.His111Arg (NM_001318856.2); c.347A>G, p.His116Arg (NM_001318857.2); c.473A>G, p.His158Arg (NM_001318865.2); c.269-30A>G (NM_001318858.2); short protein forms H158R, H177R, H116R, H111R.
Identifiers: ClinVar variation 1502874 (VCV001502874.6), dbSNP rs201256313, ClinGen allele CA3810729.

ClinVar aggregate classification (germline): Uncertain significance (1 of 4 stars; one submission).

Allele frequency attached by ClinVar (database versions not stated): ExAC 0.00001; gnomAD exomes 0.00001; gnomAD 0.00004; 1000 Genomes Project 30x 0.00016; 1000 Genomes Project 0.00020.

Submission:

Labcorp Genetics (formerly Invitae), Labcorp
Classification: Uncertain significance. Last evaluated: 2021-04-02. Review status: criteria provided, single submitter. Criteria: Invitae Variant Classification Sherloc (09022015). Collection method: clinical testing. Allele origin: germline.
Comment: This variant has not been reported in the literature in individuals with GNMT-related conditions. Algorithms developed to predict the effect of missense changes on protein structure and function are either unavailable or do not agree on the potential impact of this missense change (SIFT: "Not Available"; PolyPhen-2: "Probably Damaging"; Align-GVGD: "Not Available"). This variant is present in population databases (rs201256313, ExAC 0.009%). This sequence change replaces histidine with arginine at codon 177 of the GNMT protein (p.His177Arg). The histidine residue is highly conserved and there is a small physicochemical difference between histidine and arginine. In summary, the available evidence is currently insufficient to determine the role of this variant in disease. Therefore, it has been classified as a Variant of Uncertain Significance.